The following is an entry in ClinVar:

ClinVar aggregate classification (germline): Uncertain significance (1 of 4 stars; one submission).

gnomAD v4.1: 3 of 1,158,272 alleles (0.00026%); highest among the groups gnomAD compares: East Asian, 0.003%; no homozygotes.

Submission:

Ambry Genetics
Classification: Uncertain significance. Last evaluated: 2026-06-03. Review status: criteria provided, single submitter. Criteria: Ambry Variant Classification Scheme 2023. Collection method: clinical testing. Allele origin: germline.
Comment: The c.1429C>G (p.Q477E) alteration is located in exon 11 (coding exon 11) of the ZRSR2 gene. This alteration results from a C to G substitution at nucleotide position 1429, causing the glutamine (Q) at amino acid position 477 to be replaced by a glutamic acid (E). Based on data from gnomAD, the G allele has an overall frequency of 0.001% (2/139841) total alleles studied. The highest observed frequency was 0.009% (1/11487) of African alleles. Based on insufficient or conflicting evidence, the clinical significance of this alteration remains unclear.

NM_005089.4(ZRSR2):c.1429C>G (p.Gln477Glu)

Gene: ZRSR2 (zinc finger CCCH-type, RNA binding motif and serine/arginine rich 2; plus strand). Cytogenetic location: Xp22.2.
Variant type: single nucleotide variant.
Coding change: c.1429C>G on transcript NM_005089.4 (MANE Select); coding-DNA position 1429, C replaced by G.
Protein change: p.Gln477Glu; replaces glutamine 477 with glutamic acid.
Molecular consequence: missense variant.
Genome position (GRCh38, 1-based): chrX:15,823,222, C>G. VCF-style: chrX-15823222-C-G. GRCh37 (hg19) VCF-style: chrX-15841345-C-G.
Other names: short protein forms Q477E.
Identifiers: ClinVar variation 4867078 (VCV004867078.1).